The following is an entry in ClinVar:

ClinVar aggregate classification (germline): Uncertain significance (1 of 4 stars; one submission).

Submission:

GeneDx
Classification: Uncertain significance. Last evaluated: 2022-05-24. Review status: criteria provided, single submitter. Criteria: GeneDx Variant Classification Process June 2021. Collection method: clinical testing. Allele origin: germline. Affected: yes.
Comment: Not observed at significant frequency in large population cohorts (gnomAD); In silico analysis supports that this missense variant does not alter protein structure/function; Has not been previously published as pathogenic or benign to our knowledge

NM_138615.3(DHX30):c.536G>T (p.Gly179Val)

Gene: DHX30 (DExH-box helicase 30; plus strand). Cytogenetic location: 3p21.31.
Variant type: single nucleotide variant.
Coding change: c.536G>T on transcript NM_138615.3 (MANE Select); coding-DNA position 536, G replaced by T.
Protein change: p.Gly179Val; replaces glycine 179 with valine.
Molecular consequence: missense variant.
Genome position (GRCh38, 1-based): chr3:47,841,046, G>T. VCF-style: chr3-47841046-G-T. GRCh37 (hg19) VCF-style: chr3-47882536-G-T.
Other names: c.452G>T, p.Gly151Val (NM_001330990.2); c.419G>T, p.Gly140Val (NM_014966.4); short protein forms G140V, G151V, G179V.
Identifiers: ClinVar variation 1801021 (VCV001801021.1), dbSNP rs2549283231, ClinGen allele CA352583606.